The following is an entry in ClinVar:

ClinVar aggregate classification (germline): Uncertain significance. Review status: criteria provided, multiple submitters, no conflicts (2 of 4 stars). 4 submissions from 4 submitters: Uncertain significance (4). Last evaluated 2025-12-24.

Conditions:
Ehlers-Danlos syndrome, classic type, 1 (EDSCL1). Also called: Ehlers-Danlos Syndrome, Classic Type, COL5A1-Related; EHLERS-DANLOS SYNDROME, GRAVIS TYPE; EHLERS-DANLOS SYNDROME, SEVERE CLASSIC TYPE; Ehlers-Danlos syndrome, type 1; EDS I. Identifiers: MedGen C0268335, MONDO:0019567, OMIM 130000.
Familial thoracic aortic aneurysm and aortic dissection (TAAD). Also called: Thoracic aortic aneurysms and dissections. Identifiers: Orphanet 91387, MedGen C4707243, MONDO:0019625.

Allele frequency attached by ClinVar (database versions not stated): gnomAD 0.00001; gnomAD exomes 0.00001 and 0.00002; TOPMed 0.00001; ExAC 0.00004.
gnomAD v4.1: 15 of 1,614,018 alleles (0.00093%); highest among the groups gnomAD compares: Non-Finnish European, 0.00093%; no homozygotes.

Submissions (4):

Labcorp Genetics (formerly Invitae), Labcorp
Classification: Uncertain significance for Ehlers-Danlos syndrome, classic type, 1. Last evaluated: 2025-12-24. Review status: criteria provided, single submitter. Criteria: Invitae Variant Classification Sherloc (09022015). Collection method: clinical testing. Allele origin: germline.
Comment: This sequence change replaces valine, which is neutral and non-polar, with aspartic acid, which is acidic and polar, at codon 95 of the COL5A2 protein (p.Val95Asp). This variant is present in population databases (rs759604513, gnomAD 0.004%). This variant has not been reported in the literature in individuals affected with COL5A2-related conditions. ClinVar contains an entry for this variant (Variation ID: 213135). Invitae Evidence Modeling of protein sequence and biophysical properties (such as structural, functional, and spatial information, amino acid conservation, physicochemical variation, residue mobility, and thermodynamic stability) has been performed for this missense variant. However, the output from this modeling did not meet the statistical confidence thresholds required to predict the impact of this variant on COL5A2 protein function. In summary, the available evidence is currently insufficient to determine the role of this variant in disease. Therefore, it has been classified as a Variant of Uncertain Significance.

Women's Health and Genetics/Laboratory Corporation of America, LabCorp
Classification: Uncertain significance. Last evaluated: 2025-10-22. Review status: criteria provided, single submitter. Criteria: LabCorp Variant Classification Summary - May 2015. Collection method: clinical testing. Allele origin: germline.
Comment: Variant summary: COL5A2 c.284T>A (p.Val95Asp) results in a non-conservative amino acid change in the encoded protein sequence. Algorithms developed to predict the effect of missense changes on protein structure and function are either unavailable or do not agree on the potential impact of this missense change. The variant allele was found at a frequency of 2.4e-05 in 251354 control chromosomes. The available data on variant occurrences in the general population are insufficient to allow any conclusion about variant significance. To our knowledge, no occurrence of c.284T>A in individuals affected with COL5A2-related conditions and no experimental evidence demonstrating its impact on protein function have been reported. ClinVar contains an entry for this variant (Variation ID: 213135). Based on the evidence outlined above, the variant was classified as uncertain significance.

GeneDx
Classification: Uncertain significance. Last evaluated: 2024-09-12. Review status: criteria provided, single submitter. Criteria: GeneDx Variant Classification Process June 2021. Collection method: clinical testing. Allele origin: germline. Affected: yes.
Comment: Has not been previously published as pathogenic or benign to our knowledge; In silico analysis supports that this missense variant has a deleterious effect on protein structure/function; This variant is associated with the following publications: (PMID: 22696272)

Ambry Genetics
Classification: Uncertain significance for Familial thoracic aortic aneurysm and aortic dissection. Last evaluated: 2024-04-15. Review status: criteria provided, single submitter. Criteria: Ambry Variant Classification Scheme 2023. Collection method: clinical testing. Allele origin: germline.
Comment: The p.V95D variant (also known as c.284T>A), located in coding exon 2 of the COL5A2 gene, results from a T to A substitution at nucleotide position 284. The valine at codon 95 is replaced by aspartic acid, an amino acid with highly dissimilar properties. This amino acid position is well conserved in available vertebrate species. In addition, the in silico prediction for this alteration is inconclusive. Based on the available evidence, the clinical significance of this variant remains unclear.

NM_000393.5(COL5A2):c.284T>A (p.Val95Asp)

Gene: COL5A2 (collagen type V alpha 2 chain; minus strand). Cytogenetic location: 2q32.2.
Variant type: single nucleotide variant.
Coding change: c.284T>A on transcript NM_000393.5 (MANE Select); coding-DNA position 284, T replaced by A.
Protein change: p.Val95Asp; replaces valine 95 with aspartic acid.
Molecular consequence: missense variant.
Genome position (GRCh38, 1-based): chr2:189,110,263, A>T on the plus strand (T>A on the coding strand, the complement: COL5A2 is on the minus strand). VCF-style: chr2-189110263-A-T. GRCh37 (hg19) VCF-style: chr2-189974989-A-T.
Other names: p.V95D:GTC>GAC; short protein forms V95D.
Identifiers: ClinVar variation 213135 (VCV000213135.14), dbSNP rs759604513, ClinGen allele CA324653.
Genomic context (GRCh38, chr2:189,110,263, plus strand): 5'-AGTTGGCCCTAAACATTCTTACCAAAATTGGTATTGCCACCTCCAGGTGTTTGTGAACAG[A>T]CAGGACAGCATTCCCCAGGGGGCGTTACAGGGTCGGCACAGTCCAGCACATCCTGGCATT-3'
Protein context (NP_000384.2, residues 85-105): PVTPPGECCP[Val95Asp]CSQTPGGGNT